The following is an entry in ClinVar:

NM_005245.4(FAT1):c.166C>T (p.Pro56Ser)

Gene: FAT1 (FAT atypical cadherin 1; minus strand). Cytogenetic location: 4q35.2.
Variant type: single nucleotide variant.
Coding change: c.166C>T on transcript NM_005245.4 (MANE Select); coding-DNA position 166, C replaced by T.
Protein change: p.Pro56Ser; replaces proline 56 with serine.
Molecular consequence: missense variant.
Genome position (GRCh38, 1-based): chr4:186,709,662, G>A on the plus strand (C>T on the coding strand, the complement: FAT1 is on the minus strand). VCF-style: chr4-186709662-G-A. GRCh37 (hg19) VCF-style: chr4-187630816-G-A.
Other names: c.166C>T, p.Pro56Ser (NM_001440455.1, NM_001440456.1, NM_001440457.1); short protein forms P56S.
Identifiers: ClinVar variation 4991574 (VCV004991574.1).
Genomic context (GRCh38, chr4:186,709,662, plus strand): 5'-AAACAATTTTGTACCTTACTTCCCACGCTGGATGTGTAATGTAAACACCCATCTTGACAG[G>A]ATGCCCCACATAAGTCTTAGCTGCAGAGTTCTCCTGCACGGTGACGTTGTACTCGAGGTG-3'
Protein context (NP_005236.2, residues 46-66): NSAAKTYVGH[Pro56Ser]VKMGVYITHP

ClinVar aggregate classification (germline): Uncertain significance (1 of 4 stars; one submission).

Conditions:
FAT1-related disorder. Also called: FAT1-related condition.

gnomAD v4.1: 2 of 1,613,826 alleles (0.00012%); highest among the groups gnomAD compares: African/African-American, 0.0027%; no homozygotes.

Submission:

PreventionGenetics, part of Exact Sciences
Classification: Uncertain significance for FAT1-related condition. Last evaluated: 2026-07-09. Review status: criteria provided, single submitter. Criteria: ACMG Guidelines, 2015. Collection method: clinical testing. Allele origin: germline.
Comment: The FAT1 c.166C>T variant is predicted to result in the amino acid substitution p.Pro56Ser. To our knowledge, this variant has not been reported in the literature or in a large population database (gnomAD), indicating this variant is rare. At this time, the clinical significance of this variant is uncertain due to the absence of conclusive functional and genetic evidence.